The following is an entry in ClinVar:

NM_148919.4(PSMB8):c.776T>G (p.Val259Gly)

Gene: PSMB8 (proteasome 20S subunit beta 8; minus strand). Cytogenetic location: 6p21.32.
Variant type: single nucleotide variant.
Coding change: c.776T>G on transcript NM_148919.4 (MANE Select); coding-DNA position 776, T replaced by G.
Protein change: p.Val259Gly; replaces valine 259 with glycine.
Molecular consequence: missense variant.
Genome position (GRCh38, 1-based): chr6:32,841,014, A>C on the plus strand (T>G on the coding strand, the complement: PSMB8 is on the minus strand). VCF-style: chr6-32841014-A-C. GRCh37 (hg19) VCF-style: chr6-32808791-A-C.
Other names: c.764T>G, p.Val255Gly (NM_004159.5); short protein forms V255G, V259G.
Identifiers: ClinVar variation 3659462 (VCV003659462.2).

ClinVar aggregate classification (germline): Uncertain significance (1 of 4 stars; one submission).

Conditions:
Proteosome-associated autoinflammatory syndrome. Also called: Proteasome-associated autoinflammatory syndrome. Identifiers: Orphanet 324977, MedGen C1850568, MONDO:0009726.

Submission:

Labcorp Genetics (formerly Invitae), Labcorp
Classification: Uncertain significance for Proteosome-associated autoinflammatory syndrome. Last evaluated: 2024-07-16. Review status: criteria provided, single submitter. Criteria: Invitae Variant Classification Sherloc (09022015). Collection method: clinical testing. Allele origin: germline.
Comment: This sequence change replaces valine, which is neutral and non-polar, with glycine, which is neutral and non-polar, at codon 259 of the PSMB8 protein (p.Val259Gly). This variant is not present in population databases (gnomAD no frequency). This variant has not been reported in the literature in individuals affected with PSMB8-related conditions. Advanced modeling of protein sequence and biophysical properties (such as structural, functional, and spatial information, amino acid conservation, physicochemical variation, residue mobility, and thermodynamic stability) performed at Invitae indicates that this missense variant is not expected to disrupt PSMB8 protein function with a negative predictive value of 80%. In summary, the available evidence is currently insufficient to determine the role of this variant in disease. Therefore, it has been classified as a Variant of Uncertain Significance.